The following is an entry in ClinVar:

ClinVar aggregate classification (germline): Likely pathogenic (1 of 4 stars; one submission).

Conditions:
Mitochondrial complex I deficiency, nuclear type 33. Also called: Mitochondrial complex 1 deficiency, nuclear type 33. Identifiers: MedGen C4748840, MONDO:0032636, OMIM 618253.

Submission:

First Genomix Gene Laboratory, Genetic Diagnostics Department
Classification: Likely pathogenic for Mitochondrial complex I deficiency, nuclear type 33. Last evaluated: 2025-09-17. Review status: criteria provided, single submitter. Criteria: ACMG Guidelines, 2015. Collection method: clinical testing. Allele origin: germline. Inheritance: Autosomal recessive inheritance. Affected: no. Observed: 1 variant allele.

NM_002490.6(NDUFA6):c.157del (p.Asp53fs)

Gene: NDUFA6 (NADH:ubiquinone oxidoreductase subunit A6; minus strand). Cytogenetic location: 22q13.2.
Variant type: Deletion.
Coding change: c.157del on transcript NM_002490.6 (MANE Select); coding-DNA position 157, one base deleted (G; older notation c.157delG).
Protein change: p.Asp53fs; shifts the reading frame from aspartic acid 53.
Molecular consequence: frameshift variant.
Genome position (GRCh38, 1-based): chr22:42,087,158, C deleted on the plus strand (G on the coding strand, the reverse complement: NDUFA6 is on the minus strand); the first of 2 consecutive C bases (chr22:42,087,158-42,087,159); deleting either gives the same sequence. VCF-style (leftmost placement, unchanged base first): chr22-42087157-TC-T. GRCh37 (hg19) VCF-style: chr22-42483161-TC-T.
Other names: short protein forms D53fs.
Identifiers: ClinVar variation 4850350 (VCV004850350.1).
Genomic context (GRCh38, chr22:42,087,157, plus strand): 5'-ACATGGGCATTCTTCATAAACATTTCTCGGACTTTATCCCGTCCCATTTTCACAGTGATG[TC>T]CAGCTGGAATTGGTGCACTAGAGAGAAAAACATGACTCAGGGTAGAAATTGTATGGTTAA-3'